The following is an entry in ClinVar:

NM_182961.4(SYNE1):c.10624T>C (p.Cys3542Arg)

Gene: SYNE1 (spectrin repeat containing nuclear envelope protein 1; minus strand). Cytogenetic location: 6q25.2.
Variant type: single nucleotide variant.
Coding change: c.10624T>C on transcript NM_182961.4 (MANE Select); coding-DNA position 10624, T replaced by C.
Protein change: p.Cys3542Arg; replaces cysteine 3542 with arginine.
Molecular consequence: missense variant.
Genome position (GRCh38, 1-based): chr6:152,354,961, A>G on the plus strand (T>C on the coding strand, the complement: SYNE1 is on the minus strand). VCF-style: chr6-152354961-A-G. GRCh37 (hg19) VCF-style: chr6-152676096-A-G.
Other names: c.10645T>C, p.Cys3549Arg (NM_033071.5); short protein forms C3549R, C3542R.
Identifiers: ClinVar variation 1414181 (VCV001414181.6), dbSNP rs751032216, ClinGen allele CA4056907.

ClinVar aggregate classification (germline): Uncertain significance (1 of 4 stars; one submission).

Conditions:
Emery-Dreifuss muscular dystrophy 4, autosomal dominant (EDMD4). Also called: EMERY-DREIFUSS MUSCULAR DYSTROPHY 4 WITH VARIABLE FEATURES. Identifiers: Orphanet 261, MedGen C2751807, MONDO:0013071, OMIM 612998.
Autosomal recessive ataxia, Beauce type. Also called: Spinocerebellar ataxia, autosomal recessive 8; ATAXIA, RECESSIVE, OF BEAUCE; SYNE1 Deficiency; SYNE1-Related Autosomal Recessive Cerebellar Ataxia. Identifiers: Orphanet 88644, MedGen C1853116, MONDO:0012549, OMIM 610743.

Allele frequency attached by ClinVar (database versions not stated): TOPMed below 0.00001; ExAC 0.00002; gnomAD exomes 0.00002.
gnomAD v4.1: 15 of 1,614,036 alleles (0.00093%); highest among the groups gnomAD compares: South Asian, 0.011%; no homozygotes.

Submission:

Labcorp Genetics (formerly Invitae), Labcorp
Classification: Uncertain significance for Emery-Dreifuss muscular dystrophy 4, autosomal dominant; Autosomal recessive ataxia, Beauce type. Last evaluated: 2021-10-21. Review status: criteria provided, single submitter. Criteria: Invitae Variant Classification Sherloc (09022015). Collection method: clinical testing. Allele origin: germline.
Comment: Algorithms developed to predict the effect of missense changes on protein structure and function (SIFT, PolyPhen-2, Align-GVGD) all suggest that this variant is likely to be disruptive. This variant has not been reported in the literature in individuals affected with SYNE1-related conditions. This variant is present in population databases (rs751032216, ExAC 0.01%). This sequence change replaces cysteine with arginine at codon 3549 of the SYNE1 protein (p.Cys3549Arg). The cysteine residue is highly conserved and there is a large physicochemical difference between cysteine and arginine. In summary, the available evidence is currently insufficient to determine the role of this variant in disease. Therefore, it has been classified as a Variant of Uncertain Significance.